The following is an entry in ClinVar:

ClinVar aggregate classification (germline): Uncertain significance (1 of 4 stars; one submission).

Submission:

Ambry Genetics
Classification: Uncertain significance. Last evaluated: 2025-10-09. Review status: criteria provided, single submitter. Criteria: Ambry Variant Classification Scheme 2023. Collection method: clinical testing. Allele origin: germline.
Comment: The p.T396S variant (also known as c.1187C>G), located in coding exon 1 of the TET2 gene, results from a C to G substitution at nucleotide position 1187. The threonine at codon 396 is replaced by serine, an amino acid with similar properties. This amino acid position is conserved. In addition, this alteration is predicted to be tolerated by in silico analysis. Based on the available evidence, the clinical significance of this variant remains unclear.

NM_001127208.3(TET2):c.1187C>G (p.Thr396Ser)

Genes: TET2 (tet methylcytosine dioxygenase 2; plus strand), TET2-AS1 (TET2 antisense RNA 1; minus strand). Cytogenetic location: 4q24.
Variant type: single nucleotide variant.
Coding change: c.1187C>G on transcript NM_001127208.3 (MANE Select); coding-DNA position 1187, C replaced by G.
Protein change: p.Thr396Ser; replaces threonine 396 with serine.
Molecular consequence: missense variant.
Genome position (GRCh38, 1-based): chr4:105,235,129, C>G. VCF-style: chr4-105235129-C-G. GRCh37 (hg19) VCF-style: chr4-106156286-C-G.
Other names: c.1187C>G, p.Thr396Ser (NM_017628.4); short protein forms T396S.
Identifiers: ClinVar variation 4594147 (VCV004594147.1).